The following is an entry in ClinVar:

NM_000503.5(EYA1):c.557del

Gene: EYA1 (EYA transcriptional coactivator and phosphatase 1; minus strand). Cytogenetic location: 8q13.3.
Variant type: Deletion.
Coding change: c.557del on transcript NM_000503.5; coding-DNA position 557, one base deleted (G; older notation c.557delG).
Genome position (GRCh38, 1-based): chr8:71,299,720, C deleted on the plus strand (G on the coding strand, the reverse complement: EYA1 is on the minus strand); the first of 2 consecutive C bases (chr8:71,299,720-71,299,721); deleting either gives the same sequence. VCF-style (leftmost placement, unchanged base first): chr8-71299719-AC-A. GRCh37 (hg19) VCF-style: chr8-72211954-AC-A.
Identifiers: ClinVar variation 988191 (VCV000988191.3), dbSNP rs1819990660, ClinGen allele CA1792728606.
Genomic context (GRCh38, chr8:71,299,719, plus strand): 5'-AGAGGAATTTGTGAGTGAATTATTTCCTGTATATATTCCTGATGATGTTGTAAAACTGCT[AC>A]CTAAAACAAAATGAAAAGAAATACGATTATACCAGGCTTGTGGAATAATGTGGGTACAGG-3'

ClinVar aggregate classification (germline): Pathogenic (0 of 4 stars; one submission).

Conditions:
Melnick-Fraser syndrome (BOR). Also called: Branchiootorenal syndrome; Branchio-oto-renal syndrome; Branchiootorenal Syndrome (BORS). Identifiers: Orphanet 107, MedGen C0265234, MONDO:0007029.

Submission:

Sydney Genome Diagnostics, Children's Hospital Westmead
Classification: Pathogenic for Melnick-Fraser syndrome. Last evaluated: 2018-03-07. Review status: no assertion criteria provided. Collection method: clinical testing. Allele origin: unknown. Affected: yes. Observed: 1 variant allele, 1 heterozygote.
Comment: This frameshifting variant is predicted to create a premature stop codon 55 positions downstream (p.Gly186Valfs*55), and may result in a null allele due to nonsense-mediated mRNA decay. To our knowledge, the variant has not been reported in any population databases (i.e. ExAC, ESP or dbSNP), and also has not been previously reported in the literature or any disease specific databases. However, other truncating mutations downstream of this amino acid have been described in OMIM (see OMIM #602588). This variant is considered to be pathogenic according to the ACMG guidelines.